The following is an entry in ClinVar:

NM_021870.3(FGG):c.274C>T (p.Leu92Phe)

Gene: FGG (fibrinogen gamma chain; minus strand). Cytogenetic location: 4q32.1.
Variant type: single nucleotide variant.
Coding change: c.274C>T on transcript NM_021870.3 (MANE Select); coding-DNA position 274, C replaced by T.
Protein change: p.Leu92Phe; replaces leucine 92 with phenylalanine.
Molecular consequence: missense variant.
Genome position (GRCh38, 1-based): chr4:154,612,051, G>A on the plus strand (C>T on the coding strand, the complement: FGG is on the minus strand). VCF-style: chr4-154612051-G-A. GRCh37 (hg19) VCF-style: chr4-155533203-G-A.
Other names: c.274C>T, p.Leu92Phe (NM_000509.6); c.274C>T (NM_000509.5); short protein forms L92F.
Identifiers: ClinVar variation 347832 (VCV000347832.7), dbSNP rs142286849, ClinGen allele CA3115705.

ClinVar aggregate classification (germline): Likely benign. Review status: criteria provided, multiple submitters, no conflicts (2 of 4 stars). 3 submissions from 3 submitters: Likely benign (2). 1 of the submissions does not count toward it. Last evaluated 2025-10-03.

Conditions:
Congenital afibrinogenemia. Identifiers: Orphanet 335, Orphanet 98880, MedGen C2584774, MONDO:0008737, OMIM 202400.
FGG-related disorder. Also called: FGG-related condition.

Allele frequency attached by ClinVar (database versions not stated): gnomAD 0.00009 and 0.00013; TOPMed 0.00010; gnomAD exomes 0.00016 and 0.00031; ExAC 0.00027; 1000 Genomes Project 30x 0.00047; 1000 Genomes Project 0.00060.

Submissions (3):

Labcorp Genetics (formerly Invitae), Labcorp
Classification: Likely benign. Last evaluated: 2025-10-03. Review status: criteria provided, single submitter. Criteria: Invitae Variant Classification Sherloc (09022015). Collection method: clinical testing. Allele origin: germline.

Illumina Laboratory Services, Illumina
Classification: Likely benign for Congenital afibrinogenemia. Last evaluated: 2018-01-13. Review status: criteria provided, single submitter. Criteria: ICSL Variant Classification Criteria 13 December 2019. Collection method: clinical testing. Allele origin: germline.
Comment: This variant was observed in the ICSL laboratory as part of a predisposition screen in an ostensibly healthy population. It had not been previously curated by ICSL or reported in the Human Gene Mutation Database (HGMD: prior to June 1st, 2018), and was therefore a candidate for classification through an automated scoring system. Utilizing variant allele frequency, disease prevalence and penetrance estimates, and inheritance mode, an automated score was calculated to assess if this variant is too frequent to cause the disease. Based on the score and internal cut-off values, a variant classified as likely benign is not then subjected to further curation. The score for this variant resulted in a classification of likely benign for this disease.

PreventionGenetics, part of Exact Sciences
Classification: Likely benign for FGG-related condition. Last evaluated: 2024-06-24. Review status: no assertion criteria provided. Collection method: clinical testing. Allele origin: germline. Not counted in ClinVar's aggregate classification.
Comment: This variant is classified as likely benign based on ACMG/AMP sequence variant interpretation guidelines (Richards et al. 2015 PMID: 25741868, with internal and published modifications).